The following is an entry in ClinVar:

ClinVar aggregate classification (germline): Conflicting classifications of pathogenicity. Review status: criteria provided, conflicting classifications (1 of 4 stars). 2 submissions from 2 submitters: Likely pathogenic (1); Uncertain significance (1). Last evaluated 2025-07-30.

Conditions:
Niemann-Pick disease, type C1. Also called: NEUROVISCERAL STORAGE DISEASE WITH VERTICAL SUPRANUCLEAR OPHTHALMOPLEGIA; NIEMANN-PICK DISEASE WITH CHOLESTEROL ESTERIFICATION BLOCK; NIEMANN-PICK DISEASE WITHOUT SPHINGOMYELINASE DEFICIENCY; NIEMANN-PICK DISEASE, CHRONIC NEURONOPATHIC FORM; NIEMANN-PICK DISEASE, VARIANT TYPE C1. Identifiers: Orphanet 646, MedGen C3179455, MONDO:0009757, OMIM 257220.

gnomAD v4.1: 4 of 1,612,422 alleles (0.00025%); highest among the groups gnomAD compares: Non-Finnish European, 0.00034%; no homozygotes.

Submissions (2):

Women's Health and Genetics/Laboratory Corporation of America, LabCorp
Classification: Uncertain significance. Last evaluated: 2025-07-30. Review status: criteria provided, single submitter. Criteria: LabCorp Variant Classification Summary - May 2015. Collection method: clinical testing. Allele origin: germline.
Comment: Variant summary: NPC1 c.2201G>C (p.Ser734Thr) results in a conservative amino acid change located in the Sterol-sensing domain (IPR000731) of the encoded protein sequence. Algorithms developed to predict the effect of missense changes on protein structure and function are either unavailable or do not agree on the potential impact of this missense change. The variant was absent in 251276 control chromosomes. The available data on variant occurrences in the general population are insufficient to allow any conclusion about variant significance. To our knowledge, no occurrence of c.2201G>C in individuals affected with Niemann-Pick Disease Type C and no experimental evidence demonstrating its impact on protein function have been reported. A different variant affecting the same codon has been classified as pathogenic by our lab (c.2201G>T; p.Ser734Ile), however additional evidence is needed to make unequivocal conclusions about the current variant. ClinVar contains an entry for this variant (Variation ID: 2888215). Based on the evidence outlined above, the variant was classified as uncertain significance.

Labcorp Genetics (formerly Invitae), Labcorp
Classification: Likely pathogenic for Niemann-Pick disease, type C1. Last evaluated: 2022-11-29. Review status: criteria provided, single submitter. Criteria: Invitae Variant Classification Sherloc (09022015). Collection method: clinical testing. Allele origin: germline.
Comment: In summary, the currently available evidence indicates that the variant is pathogenic, but additional data are needed to prove that conclusively. Therefore, this variant has been classified as Likely Pathogenic. This variant disrupts the p.Ser734 amino acid residue in NPC1. Other variant(s) that disrupt this residue have been determined to be pathogenic (PMID: 12955717, 20718790, 23433426, 26666848). This suggests that this residue is clinically significant, and that variants that disrupt this residue are likely to be disease-causing. Algorithms developed to predict the effect of sequence changes on RNA splicing suggest that this variant may disrupt the consensus splice site. Advanced modeling of protein sequence and biophysical properties (such as structural, functional, and spatial information, amino acid conservation, physicochemical variation, residue mobility, and thermodynamic stability) performed at Invitae indicates that this missense variant is expected to disrupt NPC1 protein function. This variant has not been reported in the literature in individuals affected with NPC1-related conditions. This variant is not present in population databases (gnomAD no frequency). This sequence change replaces serine, which is neutral and polar, with threonine, which is neutral and polar, at codon 734 of the NPC1 protein (p.Ser734Thr).

Literature cited by the submitters: PubMed 12955717 (cited by Labcorp Genetics (formerly Invitae), Labcorp); PubMed 20718790 (cited by Labcorp Genetics (formerly Invitae), Labcorp); PubMed 23433426 (cited by Labcorp Genetics (formerly Invitae), Labcorp); PubMed 26666848 (cited by Labcorp Genetics (formerly Invitae), Labcorp).

NM_000271.5(NPC1):c.2201G>C (p.Ser734Thr)

Gene: NPC1 (NPC intracellular cholesterol transporter 1; minus strand). Cytogenetic location: 18q11.2.
Variant type: single nucleotide variant.
Coding change: c.2201G>C on transcript NM_000271.5 (MANE Select); coding-DNA position 2201, G replaced by C.
Protein change: p.Ser734Thr; replaces serine 734 with threonine.
Molecular consequence: missense variant.
Genome position (GRCh38, 1-based): chr18:23,543,499, C>G on the plus strand (G>C on the coding strand, the complement: NPC1 is on the minus strand). VCF-style: chr18-23543499-C-G. GRCh37 (hg19) VCF-style: chr18-21123463-C-G.
Other names: short protein forms S734T.
Identifiers: ClinVar variation 2888215 (VCV002888215.6), dbSNP rs757475924, ClinGen allele CA401770819.